The following is an entry in ClinVar:

NM_004273.5(CHST3):c.793C>G (p.Arg265Gly)

Gene: CHST3 (carbohydrate sulfotransferase 3; plus strand). Cytogenetic location: 10q22.1.
Variant type: single nucleotide variant.
Coding change: c.793C>G on transcript NM_004273.5 (MANE Select); coding-DNA position 793, C replaced by G.
Protein change: p.Arg265Gly; replaces arginine 265 with glycine.
Molecular consequence: missense variant.
Genome position (GRCh38, 1-based): chr10:72,007,824, C>G. VCF-style: chr10-72007824-C-G. GRCh37 (hg19) VCF-style: chr10-73767582-C-G.
Other names: short protein forms R265G.
Identifiers: ClinVar variation 969496 (VCV000969496.7), dbSNP rs760987231, ClinGen allele CA377146742.

ClinVar aggregate classification (germline): Uncertain significance (1 of 4 stars; one submission).

Conditions:
Spondyloepiphyseal dysplasia with congenital joint dislocations (SEDCJD). Also called: Chondrodysplasia with Congenital Joint Dislocations, CHST3-Related. Identifiers: Orphanet 263463, MedGen C1837657, MONDO:0007738, OMIM 143095.

Allele frequency attached by ClinVar (database versions not stated): gnomAD 0.00001.
gnomAD v4.1: 45 of 1,603,730 alleles (0.0028%); highest among the groups gnomAD compares: Non-Finnish European, 0.0036%; no homozygotes.

Submission:

Labcorp Genetics (formerly Invitae), Labcorp
Classification: Uncertain significance for Spondyloepiphyseal dysplasia with congenital joint dislocations. Last evaluated: 2022-02-24. Review status: criteria provided, single submitter. Criteria: Invitae Variant Classification Sherloc (09022015). Collection method: clinical testing. Allele origin: germline.
Comment: This sequence change replaces arginine, which is basic and polar, with glycine, which is neutral and non-polar, at codon 265 of the CHST3 protein (p.Arg265Gly). This variant is present in population databases (no rsID available, gnomAD 0.002%). This variant has not been reported in the literature in individuals affected with CHST3-related conditions. ClinVar contains an entry for this variant (Variation ID: 969496). Algorithms developed to predict the effect of missense changes on protein structure and function are either unavailable or do not agree on the potential impact of this missense change (SIFT: "Tolerated"; PolyPhen-2: "Possibly Damaging"; Align-GVGD: "Class C15"). In summary, the available evidence is currently insufficient to determine the role of this variant in disease. Therefore, it has been classified as a Variant of Uncertain Significance.